The following is an entry in ClinVar:

NM_001353345.2(SETD1B):c.2523C>T (p.Asp841=)

Gene: SETD1B (SET domain containing 1B, histone lysine methyltransferase; plus strand). Cytogenetic location: 12q24.31.
Variant type: single nucleotide variant.
Coding change: c.2523C>T on transcript NM_001353345.2 (MANE Select); coding-DNA position 2523, C replaced by T.
Protein change: p.Asp841=; no amino-acid change (aspartic acid 841 retained).
Molecular consequence: synonymous variant.
Genome position (GRCh38, 1-based): chr12:121,814,738, C>T. VCF-style: chr12-121814738-C-T. GRCh37 (hg19) VCF-style: chr12-122252644-C-T.
Identifiers: ClinVar variation 5039411 (VCV005039411.1).

ClinVar aggregate classification (germline): Likely benign (1 of 4 stars; one submission).

gnomAD v4.1: 31 of 1,551,104 alleles (0.002%); highest among the groups gnomAD compares: Non-Finnish European, 0.0025%; no homozygotes.

Submission:

CeGaT Center for Human Genetics Tuebingen
Classification: Likely benign. Last evaluated: 2026-08-01. Review status: criteria provided, single submitter. Criteria: CeGaT Center For Human Genetics Tuebingen Variant Classification Criteria Version 2. Collection method: clinical testing. Allele origin: germline. Affected: yes. Observed: 1 variant allele.
Comment: SETD1B: BP4, BP7